The following is an entry in ClinVar:

NM_133433.4(NIPBL):c.1690A>G (p.Ile564Val)

Gene: NIPBL (NIPBL cohesin loading factor; plus strand). Cytogenetic location: 5p13.2.
Variant type: single nucleotide variant.
Coding change: c.1690A>G on transcript NM_133433.4 (MANE Select); coding-DNA position 1690, A replaced by G.
Protein change: p.Ile564Val; replaces isoleucine 564 with valine.
Molecular consequence: missense variant.
Genome position (GRCh38, 1-based): chr5:36,984,870, A>G. VCF-style: chr5-36984870-A-G. GRCh37 (hg19) VCF-style: chr5-36984972-A-G.
Other names: c.1690A>G, p.Ile564Val (NM_015384.5); short protein forms I564V.
Identifiers: ClinVar variation 1706347 (VCV001706347.5), dbSNP rs1267072334, ClinGen allele CA359494031.

ClinVar aggregate classification (germline): Uncertain significance. Review status: criteria provided, multiple submitters, no conflicts (2 of 4 stars). 3 submissions from 3 submitters: Uncertain significance (3). Last evaluated 2024-06-11.

Conditions:
Inborn genetic diseases. Identifiers: MedGen C0950123, MeSH D030342.
Cornelia de Lange syndrome 1 (CDLS1). Also called: NIPBL-Related Cornelia de Lange Syndrome; TYPUS DEGENERATIVUS AMSTELODAMENSIS; Brachmann de Lange syndrome. Identifiers: Orphanet 199, MedGen C4551851, MONDO:0007387, OMIM 122470.

Allele frequency attached by ClinVar (database versions not stated): gnomAD exomes below 0.00001; TOPMed below 0.00001.
gnomAD v4.1: 2 of 1,613,870 alleles (0.00012%); highest among the groups gnomAD compares: Non-Finnish European, 0.00017%; no homozygotes.

Submissions (3):

Fulgent Genetics
Classification: Uncertain significance for Cornelia de Lange syndrome 1. Last evaluated: 2024-06-11. Review status: criteria provided, single submitter. Criteria: ACMG Guidelines, 2015. Collection method: clinical testing. Allele origin: germline.

GeneDx
Classification: Uncertain significance. Last evaluated: 2022-03-18. Review status: criteria provided, single submitter. Criteria: GeneDx Variant Classification Process June 2021. Collection method: clinical testing. Allele origin: germline. Affected: yes.
Comment: Has not been previously published as pathogenic or benign to our knowledge; Not observed at significant frequency in large population cohorts (gnomAD); In silico analysis supports that this missense variant does not alter protein structure/function

Ambry Genetics
Classification: Uncertain significance for Inborn genetic diseases. Last evaluated: 2020-03-30. Review status: criteria provided, single submitter. Criteria: Ambry Variant Classification Scheme 2023. Collection method: clinical testing. Allele origin: germline.
Comment: The p.I564V variant (also known as c.1690A>G), located in coding exon 9 of the NIPBL gene, results from an A to G substitution at nucleotide position 1690. The isoleucine at codon 564 is replaced by valine, an amino acid with highly similar properties. This amino acid position is well conserved in available vertebrate species. In addition, this alteration is predicted to be tolerated by in silico analysis. Since supporting evidence is limited at this time, the clinical significance of this alteration remains unclear.